The following is an entry in ClinVar:

ClinVar aggregate classification (germline): Uncertain significance (1 of 4 stars; one submission).

Conditions:
Lynch syndrome 4 (LYNCH4). Also called: Colorectal cancer, hereditary nonpolyposis, type 4; Hereditary non-polyposis colorectal cancer, type 4. Identifiers: Orphanet 144, MedGen C1838333, MONDO:0013699, OMIM 614337. Disease mechanism: loss of function.

Submission:

Institute of Human Genetics, University of Leipzig Medical Center
Classification: Uncertain significance for Lynch syndrome 4. Last evaluated: 2022-12-07. Review status: criteria provided, single submitter. Criteria: ACMG Guidelines, 2015. Collection method: clinical testing. Allele origin: unknown. Affected: yes.
Comment: This variant was identified as compound heterozygous with NM_000535.7:c.774_776del._x000D_ Criteria applied: PM2_SUP, PM4_SUP

NM_000535.7(PMS2):c.778_780delinsACG (p.Ser260Thr)

Gene: PMS2 (PMS1 homolog 2, mismatch repair system component; minus strand). Cytogenetic location: 7p22.1.
Variant type: Indel.
Coding change: c.778_780delinsACG on transcript NM_000535.7 (MANE Select); coding-DNA positions 778 to 780, TCC replaced by ACG.
Protein change: p.Ser260Thr; replaces serine 260 with threonine.
Molecular consequence: missense variant. On other transcripts: 5 prime UTR variant (2), non-coding transcript variant (1).
Genome position (GRCh38, 1-based): chr7:5,997,349-5,997,351, GGA replaced by CGT on the plus strand (TCC replaced by ACG on the coding strand, the reverse complement: PMS2 is on the minus strand). VCF-style: chr7-5997349-GGA-CGT. GRCh37 (hg19) VCF-style: chr7-6036980-GGA-CGT.
Other names: c.373_375delTCCinsACG, p.Ser125Thr (NM_001018040.1, NM_001406887.1, NM_001406888.1 and 15 more transcripts); c.373_375delinsACG, p.Ser125Thr (NM_001322003.2, NM_001322004.2, NM_001322005.2 and 2 more transcripts); c.778_780delinsACG, p.Ser260Thr (NM_001322006.2, NM_001322014.2); c.460_462delinsACG, p.Ser154Thr (NM_001322007.2, NM_001322008.2); c.-156_-154delinsACG (NM_001322011.2, NM_001322012.2); c.205_207delinsACG, p.Ser69Thr (NM_001322013.2); c.469_471delinsACG, p.Ser157Thr (NM_001322015.2); c.964_966delTCCinsACG, p.Ser322Thr (NM_001406866.1); and 9 more; short protein forms S125T, S148T, S154T, S157T, S204T, S224T, S260T, S268T.
Identifiers: ClinVar variation 1804155 (VCV001804155.1), dbSNP rs2536219946, ClinGen allele CA2580076860.